The following is an entry in ClinVar:

ClinVar aggregate classification (germline): Uncertain significance (1 of 4 stars; one submission).

Conditions:
Autosomal recessive limb-girdle muscular dystrophy type 2A (LGMDR1). Also called: Calpainopathy; MUSCULAR DYSTROPHY, PELVOFEMORAL; Limb-girdle muscular dystrophy, type 2A; LEYDEN-MOEBIUS MUSCULAR DYSTROPHY; Muscular dystrophy, limb-girdle, type 2A, Amish. Identifiers: Orphanet 267, MedGen C1869123, MONDO:0009675, OMIM 253600. Disease mechanism: loss of function.

Submission:

Labcorp Genetics (formerly Invitae), Labcorp
Classification: Uncertain significance for Autosomal recessive limb-girdle muscular dystrophy type 2A. Last evaluated: 2025-04-09. Review status: criteria provided, single submitter. Criteria: Invitae Variant Classification Sherloc (09022015). Collection method: clinical testing. Allele origin: germline.
Comment: This sequence change replaces alanine, which is neutral and non-polar, with threonine, which is neutral and polar, at codon 34 of the CAPN3 protein (p.Ala34Thr). This variant is not present in population databases (gnomAD no frequency). This variant has not been reported in the literature in individuals affected with CAPN3-related conditions. ClinVar contains an entry for this variant (Variation ID: 1004010). An algorithm developed to predict the effect of missense changes on protein structure and function outputs the following: PolyPhen-2: "Benign". The threonine amino acid residue is found in multiple mammalian species, which suggests that this missense change does not adversely affect protein function. In summary, the available evidence is currently insufficient to determine the role of this variant in disease. Therefore, it has been classified as a Variant of Uncertain Significance.

NM_000070.3(CAPN3):c.100G>A (p.Ala34Thr)

Gene: CAPN3 (calpain 3; plus strand). Cytogenetic location: 15q15.1.
Variant type: single nucleotide variant.
Coding change: c.100G>A on transcript NM_000070.3 (MANE Select); coding-DNA position 100, G replaced by A.
Protein change: p.Ala34Thr; replaces alanine 34 with threonine.
Molecular consequence: missense variant.
Genome position (GRCh38, 1-based): chr15:42,359,905, G>A. VCF-style: chr15-42359905-G-A. GRCh37 (hg19) VCF-style: chr15-42652103-G-A.
Other names: c.100G>A, p.Ala34Thr (NM_024344.2, NM_173087.2); short protein forms A34T.
Identifiers: ClinVar variation 1004010 (VCV001004010.10), dbSNP rs772534302, ClinGen allele CA391994269.
Genomic context (GRCh38, chr15:42,359,905, plus strand): 5'-GCGGCTGAGCCCCGGTCCCCAGGGCCAGTTCCTCACCCGGCCCAGAGCAAGGCCACTGAG[G>A]CTGGGGGTGGAAACCCAAGTGGCATCTATTCAGCCATCATCAGCCGCAATTTTCCTATTA-3'
Protein context (NP_000061.1, residues 24-44): PHPAQSKATE[Ala34Thr]GGGNPSGIYS